The following is an entry in ClinVar:

ClinVar aggregate classification (germline): Uncertain significance (1 of 4 stars; one submission).

Conditions:
POLD1-related polyposis and colorectal cancer syndrome (CRCS10). Also called: Colorectal cancer 10; COLORECTAL CANCER, SUSCEPTIBILITY TO, ON CHROMOSOME 19q; Colorectal cancer, susceptibility to, 10. Identifiers: Orphanet 220460, MedGen C2675481, MONDO:0012953, OMIM 612591.

Submission:

Labcorp Genetics (formerly Invitae), Labcorp
Classification: Uncertain significance for POLD1-related polyposis and colorectal cancer syndrome. Last evaluated: 2022-05-26. Review status: criteria provided, single submitter. Criteria: Invitae Variant Classification Sherloc (09022015). Collection method: clinical testing. Allele origin: germline.
Comment: This variant has not been reported in the literature in individuals affected with POLD1-related conditions. This variant is not present in population databases (gnomAD no frequency). This sequence change replaces isoleucine, which is neutral and non-polar, with leucine, which is neutral and non-polar, at codon 728 of the POLD1 protein (p.Ile728Leu). ClinVar contains an entry for this variant (Variation ID: 859781). In summary, the available evidence is currently insufficient to determine the role of this variant in disease. Therefore, it has been classified as a Variant of Uncertain Significance. Algorithms developed to predict the effect of missense changes on protein structure and function are either unavailable or do not agree on the potential impact of this missense change (SIFT: "Deleterious"; PolyPhen-2: "Probably Damaging"; Align-GVGD: "Class C0").

NM_002691.4(POLD1):c.2182A>C (p.Ile728Leu)

Gene: POLD1 (DNA polymerase delta 1, catalytic subunit; plus strand). Cytogenetic location: 19q13.33.
Variant type: single nucleotide variant.
Coding change: c.2182A>C on transcript NM_002691.4 (MANE Select); coding-DNA position 2182, A replaced by C.
Protein change: p.Ile728Leu; replaces isoleucine 728 with leucine.
Molecular consequence: missense variant. On other transcripts: non-coding transcript variant (1).
Genome position (GRCh38, 1-based): chr19:50,413,453, A>C. VCF-style: chr19-50413453-A-C. GRCh37 (hg19) VCF-style: chr19-50916710-A-C.
Other names: c.2182A>C, p.Ile728Leu (NM_001256849.1); c.2260A>C, p.Ile754Leu (NM_001308632.1); short protein forms I728L, I754L.
Identifiers: ClinVar variation 859781 (VCV000859781.9), dbSNP rs2039158030, ClinGen allele CA406983548.
Genomic context (GRCh38, chr19:50,413,453, plus strand): 5'-GGGCTTCACTCCGCATGATTCTCTCCCCGACAGAGCGTCACGGGGTTCGGACGTCAGATG[A>C]TCGAGAAAACCAAGCAGCTGGTGGAGTCTAAGTACACAGTGGAGAATGGCTACAGCACCA-3'
Protein context (NP_002682.2, residues 718-738): QSVTGFGRQM[Ile728Leu]EKTKQLVESK